The following is an entry in ClinVar:

ClinVar aggregate classification (germline): Uncertain significance. Review status: criteria provided, multiple submitters, no conflicts (2 of 4 stars). 2 submissions from 2 submitters: Uncertain significance (2). Last evaluated 2023-09-25.

Conditions:
Nephronophthisis 14 (NPHP14). Identifiers: Orphanet 2318, MedGen C3539071, MONDO:0013916, OMIM 614844.

Allele frequency attached by ClinVar (database versions not stated): gnomAD 0.00004 and 0.00005; TOPMed 0.00008; ExAC 0.00014; 1000 Genomes Project 30x 0.00031; 1000 Genomes Project 0.00040.
gnomAD v4.1: 101 of 1,592,262 alleles (0.0063%); highest among the groups gnomAD compares: East Asian, 0.12%; no homozygotes.

Submissions (2):

Ambry Genetics
Classification: Uncertain significance. Last evaluated: 2023-09-25. Review status: criteria provided, single submitter. Criteria: Ambry Variant Classification Scheme 2023. Collection method: clinical testing. Allele origin: germline.
Comment: Does not currently meet published gene-disease clinical validity criteria Based on insufficient or conflicting evidence, the clinical significance of this alteration remains unclear.

Labcorp Genetics (formerly Invitae), Labcorp
Classification: Uncertain significance for Nephronophthisis 14. Last evaluated: 2022-09-27. Review status: criteria provided, single submitter. Criteria: Invitae Variant Classification Sherloc (09022015). Collection method: clinical testing. Allele origin: germline.
Comment: This sequence change replaces arginine, which is basic and polar, with cysteine, which is neutral and slightly polar, at codon 1098 of the ZNF423 protein (p.Arg1098Cys). This variant is present in population databases (rs202013818, gnomAD 0.1%). This variant has not been reported in the literature in individuals affected with ZNF423-related conditions. ClinVar contains an entry for this variant (Variation ID: 970524). Advanced modeling of protein sequence and biophysical properties (such as structural, functional, and spatial information, amino acid conservation, physicochemical variation, residue mobility, and thermodynamic stability) performed at Invitae indicates that this missense variant is not expected to disrupt ZNF423 protein function. In summary, the available evidence is currently insufficient to determine the role of this variant in disease. Therefore, it has been classified as a Variant of Uncertain Significance.

Literature cited by the submitters: PubMed 28106320 (cited by Ambry Genetics).

NM_001379286.1(ZNF423):c.3316C>T (p.Arg1106Cys)

Gene: ZNF423 (zinc finger protein 423; minus strand). Cytogenetic location: 16q12.1.
Variant type: single nucleotide variant.
Coding change: c.3316C>T on transcript NM_001379286.1 (MANE Select); coding-DNA position 3316, C replaced by T.
Protein change: p.Arg1106Cys; replaces arginine 1106 with cysteine.
Molecular consequence: missense variant.
Genome position (GRCh38, 1-based): chr16:49,635,860, G>A on the plus strand (C>T on the coding strand, the complement: ZNF423 is on the minus strand). VCF-style: chr16-49635860-G-A. GRCh37 (hg19) VCF-style: chr16-49669771-G-A.
Other names: c.3112C>T, p.Arg1038Cys (NM_001271620.2); c.2941C>T, p.Arg981Cys (NM_001330533.2); c.3292C>T, p.Arg1098Cys (NM_015069.5); c.3292C>T (NM_015069.2); short protein forms R1098C, R1106C, R1038C, R981C.
Identifiers: ClinVar variation 970524 (VCV000970524.6), dbSNP rs202013818, ClinGen allele CA8046339.